The following is an entry in ClinVar:

ClinVar aggregate classification (germline): Conflicting classifications of pathogenicity. Review status: criteria provided, conflicting classifications (1 of 4 stars). 2 submissions from 2 submitters: Likely pathogenic (1); Uncertain significance (1). Last evaluated 2025-02-20.

Conditions:
Rare genetic deafness. Identifiers: Orphanet 96210, MedGen C5680250.

gnomAD v4.1: 2 of 1,613,030 alleles (0.00012%); no homozygotes.

Submissions (2):

Labcorp Genetics (formerly Invitae), Labcorp
Classification: Uncertain significance. Last evaluated: 2025-02-20. Review status: criteria provided, single submitter. Criteria: Invitae Variant Classification Sherloc (09022015). Collection method: clinical testing. Allele origin: germline.
Comment: This sequence change replaces glycine, which is neutral and non-polar, with valine, which is neutral and non-polar, at codon 1039 of the COL11A2 protein (p.Gly1039Val). This variant is not present in population databases (gnomAD no frequency). This variant has not been reported in the literature in individuals affected with COL11A2-related conditions. ClinVar contains an entry for this variant (Variation ID: 506218). Invitae Evidence Modeling of protein sequence and biophysical properties (such as structural, functional, and spatial information, amino acid conservation, physicochemical variation, residue mobility, and thermodynamic stability) indicates that this missense variant is expected to disrupt COL11A2 protein function with a positive predictive value of 95%. In summary, the available evidence is currently insufficient to determine the role of this variant in disease. Therefore, it has been classified as a Variant of Uncertain Significance.

Laboratory for Molecular Medicine, Mass General Brigham Personalized Medicine
Classification: Likely pathogenic for Rare genetic deafness. Last evaluated: 2020-06-08. Review status: criteria provided, single submitter. Criteria: LMM Criteria. Collection method: clinical testing. Allele origin: germline. Inheritance: Autosomal recessive inheritance. Observed: 3 variant alleles.
Comment: No syndromic features of Stickler syndrome or OSMED syndrome were reported for these individuals. It was absent from large population studies. Computational prediction tools and conservation analyses suggest that this variant may impact the protein, and the variant affects the glycine (Gly) residue of the conserved Gly-X-Y repeat motif in the COL11A2 protein. In summary, although additional studies are required to fully establish its clinical significance, this variant meets criteria to be classified as likely pathogenic for autosomal recessive hearing loss. ACMG/AMP Criteria applied: PM2, PM3_Supporting, PP1, PM1_Supporting.

NM_080680.3(COL11A2):c.3116G>T (p.Gly1039Val)

Gene: COL11A2 (collagen type XI alpha 2 chain; minus strand). Cytogenetic location: 6p21.32.
Variant type: single nucleotide variant.
Coding change: c.3116G>T on transcript NM_080680.3 (MANE Select); coding-DNA position 3116, G replaced by T.
Protein change: p.Gly1039Val; replaces glycine 1039 with valine.
Molecular consequence: missense variant.
Genome position (GRCh38, 1-based): chr6:33,171,747, C>A on the plus strand (G>T on the coding strand, the complement: COL11A2 is on the minus strand). VCF-style: chr6-33171747-C-A. GRCh37 (hg19) VCF-style: chr6-33139524-C-A.
Other names: c.2795G>T, p.Gly932Val (NM_080679.3); c.2858G>T, p.Gly953Val (NM_080681.3); short protein forms G1039V, G932V, G953V.
Identifiers: ClinVar variation 506218 (VCV000506218.6), dbSNP rs1554216943, ClinGen allele CA363636462.